The following is an entry in ClinVar:

NM_001009944.3(PKD1):c.11017-10C>T

Genes: PKD1 (polycystin 1, transient receptor potential channel interacting; minus strand), PKD1-AS1 (PKD1 antisense RNA 1; plus strand). Cytogenetic location: 16p13.3.
Variant type: single nucleotide variant.
Coding change: c.11017-10C>T on transcript NM_001009944.3 (MANE Select); 10 bases into the intron before coding-DNA position 11017, C replaced by T.
Molecular consequence: intron variant.
Genome position (GRCh38, 1-based): chr16:2,093,103, G>A on the plus strand (C>T on the coding strand, the complement: PKD1 is on the minus strand). VCF-style: chr16-2093103-G-A. GRCh37 (hg19) VCF-style: chr16-2143104-G-A.
Other names: c.11014-10C>T (NM_000296.4).
Identifiers: ClinVar variation 3780149 (VCV003780149.2).

ClinVar aggregate classification (germline): Likely benign. Review status: criteria provided, multiple submitters, no conflicts (2 of 4 stars). 2 submissions from 2 submitters: Likely benign (2). Last evaluated 2025-01-07.

Conditions:
PKD1-related disorder. Also called: PKD1-related condition.
Polycystic kidney disease, adult type (PKD1). Also called: Polycystic Kidney Disease 1, Autosomal Dominant; Polycystic kidney disease 1; Polycystic kidney disease 1, severe; POLYCYSTIC KIDNEY DISEASE 1 WITH OR WITHOUT POLYCYSTIC LIVER DISEASE; Polycystic Kidney, Autosomal Dominant; POLYCYSTIC KIDNEY DISEASE, ADULT, TYPE I. Identifiers: MedGen C3149841, MONDO:0008263, OMIM 173900.

gnomAD v4.1: 20 of 1,610,332 alleles (0.0012%); highest among the groups gnomAD compares: Middle Eastern, 0.017%; no homozygotes.

Submissions (2):

PreventionGenetics, part of Exact Sciences
Classification: Likely benign for PKD1-related condition. Last evaluated: 2025-01-07. Review status: criteria provided, single submitter. Criteria: ACMG Guidelines, 2015. Collection method: clinical testing. Allele origin: germline.
Comment: This variant is classified as likely benign based on ACMG/AMP sequence variant interpretation guidelines (Richards et al. 2015 PMID: 25741868, with internal and published modifications).

Department of Pathology and Laboratory Medicine, Sinai Health System
Classification: Likely benign for Polycystic kidney disease, adult type. Last evaluated: 2022-02-23. Review status: criteria provided, single submitter. Criteria: ACMG Guidelines, 2015. Collection method: clinical testing. Allele origin: germline. Affected: yes.